The following is an entry in ClinVar:

ClinVar aggregate classification (germline): Likely benign (1 of 4 stars; one submission).

Allele frequency attached by ClinVar (database versions not stated): gnomAD exomes 0.00032; ExAC 0.00087; 1000 Genomes Project 30x 0.00234; 1000 Genomes Project 0.00240; gnomAD 0.00271; TOPMed 0.00319; ESP Exome Variant Server 0.00377.
gnomAD v4.1: 885 of 1,613,910 alleles (0.055%); highest among the groups gnomAD compares: African/African-American, 0.97%; 10 homozygotes.

Submission:

CeGaT Center for Human Genetics Tuebingen
Classification: Likely benign. Last evaluated: 2023-02-01. Review status: criteria provided, single submitter. Criteria: CeGaT Center For Human Genetics Tuebingen Variant Classification Criteria Version 2. Collection method: clinical testing. Allele origin: germline. Affected: yes. Observed: 1 variant allele.
Comment: ENSG00000279159: BS2; MTMR3: BP4, BP7, BS2

NM_021090.4(MTMR3):c.876C>T (p.Phe292=)

Gene: MTMR3 (myotubularin related protein 3; plus strand). Cytogenetic location: 22q12.2.
Variant type: single nucleotide variant.
Coding change: c.876C>T on transcript NM_021090.4 (MANE Select); coding-DNA position 876, C replaced by T.
Protein change: p.Phe292=; no amino-acid change (phenylalanine 292 retained).
Molecular consequence: synonymous variant.
Genome position (GRCh38, 1-based): chr22:30,007,318, C>T. VCF-style: chr22-30007318-C-T. GRCh37 (hg19) VCF-style: chr22-30403307-C-T.
Other names: c.876C>T, p.Phe292= (NM_153050.3, NM_153051.3).
Identifiers: ClinVar variation 2653054 (VCV002653054.23), dbSNP rs146523702, ClinGen allele CA10177280.